The following is an entry in ClinVar:

NM_000180.4(GUCY2D):c.2432G>A (p.Gly811Asp)

Gene: GUCY2D (guanylate cyclase 2D, retinal; plus strand). Cytogenetic location: 17p13.1.
Variant type: single nucleotide variant.
Coding change: c.2432G>A on transcript NM_000180.4 (MANE Select); coding-DNA position 2432, G replaced by A.
Protein change: p.Gly811Asp; replaces glycine 811 with aspartic acid.
Molecular consequence: missense variant.
Genome position (GRCh38, 1-based): chr17:8,014,620, G>A. VCF-style: chr17-8014620-G-A. GRCh37 (hg19) VCF-style: chr17-7917938-G-A.
Other names: c.2432G>A (NM_000180.3); short protein forms G811D.
Identifiers: ClinVar variation 1516315 (VCV001516315.6), dbSNP rs750247123, ClinGen allele CA8366131.

ClinVar aggregate classification (germline): Uncertain significance. Review status: criteria provided, multiple submitters, no conflicts (2 of 4 stars). 3 submissions from 3 submitters: Uncertain significance (3). Last evaluated 2025-11-20.

Conditions:
Inborn genetic diseases. Identifiers: MedGen C0950123, MeSH D030342.
Leber congenital amaurosis 1 (LCA1). Also called: AMAUROSIS CONGENITA OF LEBER I; Congenital absence of the rods and cones; Leber's congenital tapetoretinal degeneration; Leber's congenital tapetoretinal dysplasia; RETINAL BLINDNESS, CONGENITAL. Identifiers: Orphanet 65, MedGen C2931258, MONDO:0008764, OMIM 204000.
Cone-rod dystrophy 6 (CORD6). Also called: Cone dystrophy progressive; RETINAL CONE DYSTROPHY 2. Identifiers: Orphanet 1872, MedGen C1866293, MONDO:0011143, OMIM 601777.

Allele frequency attached by ClinVar (database versions not stated): gnomAD 0.00001; gnomAD exomes 0.00001 and 0.00002; ExAC 0.00002; TOPMed 0.00003.
gnomAD v4.1: 19 of 1,614,014 alleles (0.0012%); highest among the groups gnomAD compares: Non-Finnish European, 0.0014%; no homozygotes.

Submissions (3):

Ambry Genetics
Classification: Uncertain significance for Inborn genetic diseases. Last evaluated: 2025-11-20. Review status: criteria provided, single submitter. Criteria: Ambry Variant Classification Scheme 2023. Collection method: clinical testing. Allele origin: germline.

Labcorp Genetics (formerly Invitae), Labcorp
Classification: Uncertain significance for Leber congenital amaurosis 1; Cone-rod dystrophy 6. Last evaluated: 2025-05-01. Review status: criteria provided, single submitter. Criteria: Invitae Variant Classification Sherloc (09022015). Collection method: clinical testing. Allele origin: germline.
Comment: This sequence change replaces glycine, which is neutral and non-polar, with aspartic acid, which is acidic and polar, at codon 811 of the GUCY2D protein (p.Gly811Asp). This variant is present in population databases (rs750247123, gnomAD 0.01%). This variant has not been reported in the literature in individuals affected with GUCY2D-related conditions. ClinVar contains an entry for this variant (Variation ID: 1516315). Invitae Evidence Modeling of protein sequence and biophysical properties (such as structural, functional, and spatial information, amino acid conservation, physicochemical variation, residue mobility, and thermodynamic stability) has been performed for this missense variant. However, the output from this modeling did not meet the statistical confidence thresholds required to predict the impact of this variant on GUCY2D protein function. In summary, the available evidence is currently insufficient to determine the role of this variant in disease. Therefore, it has been classified as a Variant of Uncertain Significance.

Blueprint Genetics
Classification: Uncertain significance. Last evaluated: 2023-01-04. Review status: criteria provided, single submitter. Criteria: ACMG Guidelines, 2015. Collection method: clinical testing. Allele origin: germline.